The following is an entry in ClinVar:

NM_139321.3(ATRN):c.910G>A (p.Val304Ile)

Gene: ATRN (attractin; plus strand). Cytogenetic location: 20p13.
Variant type: single nucleotide variant.
Coding change: c.910G>A on transcript NM_139321.3 (MANE Select); coding-DNA position 910, G replaced by A.
Protein change: p.Val304Ile; replaces valine 304 with isoleucine.
Molecular consequence: missense variant.
Genome position (GRCh38, 1-based): chr20:3,547,456, G>A. VCF-style: chr20-3547456-G-A. GRCh37 (hg19) VCF-style: chr20-3528103-G-A.
Other names: c.562G>A, p.Val188Ile (NM_001207047.3); c.910G>A, p.Val304Ile (NM_001323332.2, NM_139322.4); short protein forms V188I, V304I.
Identifiers: ClinVar variation 4779904 (VCV004779904.1).

ClinVar aggregate classification (germline): Uncertain significance (1 of 4 stars; one submission).

gnomAD v4.1: 4 of 1,614,154 alleles (0.00025%); highest among the groups gnomAD compares: South Asian, 0.0044%; no homozygotes.

Submission:

Labcorp Genetics (formerly Invitae), Labcorp
Classification: Uncertain significance. Last evaluated: 2025-04-12. Review status: criteria provided, single submitter. Criteria: Invitae Variant Classification Sherloc (09022015). Collection method: clinical testing. Allele origin: germline.
Comment: This sequence change replaces valine, which is neutral and non-polar, with isoleucine, which is neutral and non-polar, at codon 304 of the ATRN protein (p.Val304Ile). This variant is present in population databases (rs774183730, gnomAD 0.01%). This variant has not been reported in the literature in individuals affected with ATRN-related conditions. An algorithm developed to predict the effect of missense changes on protein structure and function outputs the following: PolyPhen-2: "Benign". The isoleucine amino acid residue is found in multiple mammalian species, which suggests that this missense change does not adversely affect protein function. In summary, the available evidence is currently insufficient to determine the role of this variant in disease. Therefore, it has been classified as a Variant of Uncertain Significance.